The following is an entry in ClinVar:

NM_001849.4(COL6A2):c.1816G>A (p.Asp606Asn)

Gene: COL6A2 (collagen type VI alpha 2 chain; plus strand). Cytogenetic location: 21q22.3.
Variant type: single nucleotide variant.
Coding change: c.1816G>A on transcript NM_001849.4 (MANE Select); coding-DNA position 1816, G replaced by A.
Protein change: p.Asp606Asn; replaces aspartic acid 606 with asparagine.
Molecular consequence: missense variant.
Genome position (GRCh38, 1-based): chr21:46,125,311, G>A. VCF-style: chr21-46125311-G-A. GRCh37 (hg19) VCF-style: chr21-47545225-G-A.
Other names: c.1816G>A, p.Asp606Asn (NM_058174.3, NM_058175.3); short protein forms D606N.
Identifiers: ClinVar variation 1373866 (VCV001373866.7), dbSNP rs747602311, ClinGen allele CA10072227.

ClinVar aggregate classification (germline): Conflicting classifications of pathogenicity. Review status: criteria provided, conflicting classifications (1 of 4 stars). 2 submissions from 2 submitters: Likely pathogenic (1); Uncertain significance (1). Last evaluated 2026-03-21.

Conditions:
Bethlem myopathy 1A. Also called: Bethlem myopathy 1; Bethlem Muscular Dystrophy; MYOPATHY, BENIGN CONGENITAL, WITH CONTRACTURES. Identifiers: Orphanet 610, MedGen CN029274, MONDO:0024530, OMIM 158810.

gnomAD v4.1: 15 of 1,610,716 alleles (0.00093%); highest among the groups gnomAD compares: South Asian, 0.0055%; no homozygotes.

Submissions (2):

Dasa
Classification: Likely pathogenic. Last evaluated: 2026-03-21. Review status: criteria provided, single submitter. Criteria: DASA Assertion Criteria. Collection method: clinical testing. Allele origin: germline.
Comment: NM_001849.4(COL6A2):c.1816G>A (p.Asp606Asn) is a missense variant that results in the substitution of aspartic acid with asparagine. This variant has been observed in affected individuals with related phenotype in a genotype context consistent with recessive disease (PMID: 37526466; PMID: 29419890). This variant has been recurrently observed in individuals with related phenotype (PMID: 37526466; PMID: 29419890). Multiple computational predictions support a deleterious effect on the gene or gene product. The variant is present at low frequency in population datasets. Based on the available data, this variant is classified as likely pathogenic.

Labcorp Genetics (formerly Invitae), Labcorp
Classification: Uncertain significance for Bethlem myopathy 1A. Last evaluated: 2024-08-13. Review status: criteria provided, single submitter. Criteria: Invitae Variant Classification Sherloc (09022015). Collection method: clinical testing. Allele origin: germline.
Comment: This sequence change replaces aspartic acid, which is acidic and polar, with asparagine, which is neutral and polar, at codon 606 of the COL6A2 protein (p.Asp606Asn). This variant also falls at the last nucleotide of exon 24, which is part of the consensus splice site for this exon. This variant is present in population databases (rs747602311, gnomAD 0.01%). This missense change has been observed in individuals with autosomal recessive COL6A2-related conditions (PMID: 29419890, 37526466; Invitae). ClinVar contains an entry for this variant (Variation ID: 1373866). An algorithm developed to predict the effect of missense changes on protein structure and function (PolyPhen-2) suggests that this variant is likely to be tolerated. Variants that disrupt the consensus splice site are a relatively common cause of aberrant splicing (PMID: 17576681, 9536098). Algorithms developed to predict the effect of sequence changes on RNA splicing suggest that this variant may disrupt the consensus splice site. This variant disrupts the p.Asp606 amino acid residue in COL6A2. Other variant(s) that disrupt this residue have been observed in individuals with COL6A2-related conditions (PMID: 29419890), which suggests that this may be a clinically significant amino acid residue. In summary, the available evidence is currently insufficient to determine the role of this variant in disease. Therefore, it has been classified as a Variant of Uncertain Significance.

Literature cited by the submitters: PubMed 37526466 (cited by Dasa and Labcorp Genetics (formerly Invitae), Labcorp); PubMed 29419890 (cited by Dasa and Labcorp Genetics (formerly Invitae), Labcorp); PubMed 17576681 (cited by Labcorp Genetics (formerly Invitae), Labcorp); PubMed 9536098 (cited by Labcorp Genetics (formerly Invitae), Labcorp).